The following is an entry in ClinVar:

NM_001042492.3(NF1):c.2446C>T (p.Arg816Ter)

Gene: NF1 (neurofibromin 1; plus strand). Cytogenetic location: 17q11.2.
Variant type: single nucleotide variant.
Coding change: c.2446C>T on transcript NM_001042492.3 (MANE Select); coding-DNA position 2446, C replaced by T.
Protein change: p.Arg816Ter; replaces arginine 816 with a stop codon.
Molecular consequence: nonsense.
Genome position (GRCh38, 1-based): chr17:31,229,061, C>T. VCF-style: chr17-31229061-C-T. GRCh37 (hg19) VCF-style: chr17-29556079-C-T.
Other names: p.Arg816*; c.2446C>T, p.Arg816Ter (NM_000267.4); short protein forms R816*.
Identifiers: ClinVar variation 280055 (VCV000280055.111), dbSNP rs886041347, ClinGen allele CA10603442.

ClinVar aggregate classification (germline): Pathogenic. Review status: criteria provided, multiple submitters, no conflicts (2 of 4 stars). 27 submissions from 27 submitters: Pathogenic (24). 3 of the submissions do not count toward it. Last evaluated 2026-09-24.
ClinVar aggregate classification (oncogenicity): Oncogenic (1 of 4 stars; one submission).

Conditions:
Neurofibromatosis, familial spinal (FSNF). Identifiers: Orphanet 636, MedGen C1834235, MONDO:0008078, OMIM 162210. Disease mechanism: loss of function.
Neurofibromatosis-Noonan syndrome (NFNS). Also called: NEUROFIBROMATOSIS WITH NOONAN PHENOTYPE. Identifiers: Orphanet 638, MedGen C2931482, MONDO:0011035, OMIM 601321. Disease mechanism: loss of function.
Café-au-lait macules with pulmonary stenosis (WTSN). Also called: PULMONIC STENOSIS WITH CAFE-AU-LAIT SPOTS. Identifiers: MedGen C0553586, MONDO:0008672, OMIM 193520.
Neurofibromatosis, type 1 (NF1). Also called: Peripheral type neurofibromatosis; Neurofibromatosis, type I; VON RECKLINGHAUSEN DISEASE; NEUROFIBROMATOSIS, TYPE I, SOMATIC. Identifiers: Orphanet 636, MedGen C0027831, MONDO:0018975, OMIM 162200. Disease mechanism: loss of function.
Juvenile myelomonocytic leukemia (JMML). Also called: LEUKEMIA, JUVENILE MYELOMONOCYTIC, SOMATIC. Identifiers: Orphanet 86834, MedGen C0349639, MONDO:0011908, OMIM 607785, HP:0012209.
NF1-related disorder. Also called: NF1-related condition. Identifiers: MedGen CN379171.
Hereditary cancer-predisposing syndrome. Also called: Neoplastic Syndromes, Hereditary; Hereditary Cancer Syndrome; Tumor predisposition; Hereditary neoplastic syndrome. Identifiers: Orphanet 140162, MedGen C0027672, MeSH D009386, MONDO:0015356.
Cardiovascular phenotype. Identifiers: MedGen CN230736.
Cafe au lait spots, multiple. Also called: Neurofibromatosis type 6. Identifiers: Orphanet 2678, MedGen C1861975, MONDO:0007245, OMIM 114030, HP:0007565. Disease mechanism: loss of function.
Inguinal freckling. Identifiers: MedGen C1834297, HP:0030052.
Large cafe-au-lait macules with irregular margins. Identifiers: MedGen C4025174, HP:0005605.
Lisch nodules. Identifiers: MedGen C1860334, HP:0009737.
Delayed fine motor development. Identifiers: MedGen C4023681, HP:0010862.
Axillary freckling. Identifiers: MedGen C1860335, HP:0000997.
Neoplasm. Also called: Neoplasms; Neoplasm (disease); tumor. Identifiers: MedGen C0027651, MeSH D009369, MONDO:0005070, HP:0002664.

Allele frequency attached by ClinVar (database versions not stated): gnomAD exomes below 0.00001.
gnomAD v4.1: 2 of 1,611,484 alleles (0.00012%); highest among the groups gnomAD compares: South Asian, 0.0011%; no homozygotes.

Submissions 1 to 12 of 28:

Kasturba Medical College, Manipal, Kasturba Medical College, Manipal, Manipal Academy of Higher Education, Manipal, India
Classification: Pathogenic for Neurofibromatosis, type 1. Last evaluated: 2026-09-24. Review status: criteria provided, single submitter. Criteria: ACMG Guidelines, 2015. Collection method: research. Allele origin: unknown. Inheritance: Autosomal dominant inheritance. Affected: yes. Observed: 1 variant allele, 1 heterozygote.
Comment: Parents samples are not available for segregation analysis. This variant is noted in two individuals in heterozygous state (allele frequency: 0.000001241) in the gnomAD (v4.1.0) population database. This variant is absent in our in-house data of 4456 exomes.

Department of Genetics, Sultan Qaboos University Hospital
Classification: Pathogenic for Neurofibromatosis, type 1. Last evaluated: 2026-04-01. Review status: criteria provided, single submitter. Criteria: ACMG Guidelines, 2015. Collection method: clinical testing. Allele origin: germline. Affected: yes. Observed: 1 variant allele.
Comment: PVS1,PM2,PP5_Very_Strong

Labcorp Genetics (formerly Invitae), Labcorp
Classification: Pathogenic for Neurofibromatosis, type 1. Last evaluated: 2026-01-19. Review status: criteria provided, single submitter. Criteria: Invitae Variant Classification Sherloc (09022015). Collection method: clinical testing. Allele origin: germline.
Comment: This sequence change creates a premature translational stop signal (p.Arg816*) in the NF1 gene. It is expected to result in an absent or disrupted protein product. Loss-of-function variants in NF1 are known to be pathogenic (PMID: 10712197, 23913538). This variant is not present in population databases (gnomAD no frequency). This premature translational stop signal has been observed in individual(s) with NF1-related conditions (PMID: 9150739, 9475595, 10712197, 15146469, 18484666, 19142971, 23668869, 25403449). Invitae Evidence Modeling of clinical and family history, age, sex, and reported ancestry of multiple individuals with this NF1 variant has been performed. This variant is expected to be pathogenic with a positive predictive value of at least 99%. This is a validated machine learning model that incorporates the clinical features of 1,785,918 individuals referred to our laboratory for NF1 testing. ClinVar contains an entry for this variant (Variation ID: 280055). For these reasons, this variant has been classified as Pathogenic.

Center for Genomic Medicine, Rigshospitalet, Copenhagen University Hospital
Classification: Oncogenic for Neoplasm. Last evaluated: 2025-12-29. Review status: criteria provided, single submitter. Criteria: ClinGen/CGC/VICC Guidelines for Oncogenicity, 2022. Collection method: clinical testing. Allele origin: somatic. Affected: yes.

Institute of Medical Genetics and Applied Genomics, University Hospital Tübingen
Classification: Pathogenic for Neurofibromatosis, type 1. Last evaluated: 2025-12-15. Review status: criteria provided, single submitter. Criteria: ACMG Guidelines, 2015. Collection method: clinical testing. Allele origin: germline. Inheritance: Autosomal dominant inheritance. Affected: yes.

3billion
Classification: Pathogenic for Neurofibromatosis, type 1. Last evaluated: 2025-10-27. Review status: criteria provided, single submitter. Criteria: ACMG Guidelines, 2015. Collection method: clinical testing. Allele origin: germline. Affected: yes.
Comment: The variant is observed at an extremely low frequency in the gnomAD v4.1.0 dataset (total allele frequency: <0.001%). Predicted Consequence/Location: Stop-gained (nonsense): predicted to result in a loss or disruption of normal protein function through nonsense-mediated decay (NMD) or protein truncation. Multiple pathogenic variants are reported downstream of the variant. The variant has been reported at least twice as pathogenic with clinical assertions and evidence for the classification (ClinVar ID: VCV000280055 /PMID: 9150739). Therefore, this variant is classified as Pathogenic according to the recommendation of ACMG/AMP guideline.

Dasa
Classification: Pathogenic. Last evaluated: 2025-08-27. Review status: criteria provided, single submitter. Criteria: DASA Assertion Criteria. Collection method: clinical testing. Allele origin: germline.
Comment: NM_001042492.3(NF1):c.2446C>T (p.Arg816Ter) introduces a premature termination codon predicted to result in loss of normal protein function. Loss-of-function is an established mechanism of disease for this gene. This variant has been recurrently observed in individuals with related phenotype (PMID: 23668869; PMID: 16479075; PMID: 34080803; PMID: 19142971; PMID: 27617404). The variant is present at low frequency in population datasets. Based on the available data, this variant is classified as pathogenic.

Women's Health and Genetics/Laboratory Corporation of America, LabCorp
Classification: Pathogenic for Neurofibromatosis, type 1. Last evaluated: 2024-10-07. Review status: criteria provided, single submitter. Criteria: LabCorp Variant Classification Summary - May 2015. Collection method: clinical testing. Allele origin: germline.
Comment: Variant summary: NF1 c.2446C>T (p.Arg816X) results in a premature termination codon, predicted to cause a truncation of the encoded protein or absence of the protein due to nonsense mediated decay, which are commonly known mechanisms for disease. The variant was absent in 250020 control chromosomes. c.2446C>T has been reported in the literature in multiple heterozygous individuals affected with Neurofibromatosis Type 1 (Maynard_1997, Bahuau_1998). These data indicate that the variant is very likely to be associated with disease. To our knowledge, no experimental evidence demonstrating an impact on protein function has been reported. The following publications have been ascertained in the context of this evaluation (PMID: 9475595, 9150739). ClinVar contains an entry for this variant (Variation ID: 280055). Based on the evidence outlined above, the variant was classified as pathogenic.

Blueprint Genetics
Classification: Pathogenic for NF1-related disorders. Last evaluated: 2024-09-23. Review status: criteria provided, single submitter. Criteria: ACMG Guidelines, 2015. Collection method: clinical testing. Allele origin: germline. Affected: yes. Observed: 5 variant alleles.

NHS Central & South Genomic Laboratory Hub
Classification: Pathogenic for Neurofibromatosis type 1. Last evaluated: 2024-07-01. Review status: criteria provided, single submitter. Criteria: ACMG Guidelines, 2015. Collection method: clinical testing. Allele origin: germline. Affected: yes.

Institute for Genomic Medicine (IGM) Clinical Laboratory, Nationwide Children's Hospital
Classification: Pathogenic for Neurofibromatosis, type 1. Last evaluated: 2024-05-20. Review status: criteria provided, single submitter. Criteria: ACMG Guidelines, 2015. Collection method: clinical testing. Allele origin: germline.
Comment: This variant is predicted to result in loss of function through nonsense-mediated decay of the encoded transcript or premature truncation of the encoded protein in a gene in which loss of function is a known mechanism of disease (ACMG/AMP: PVS1). This variant has been reported at an elevated frequency in affected individuals/in multiple affected individuals in the literature (ACMG/AMP: PS4; PMIDs:9150739, 9475595, 10712197, 15146469, 18484666, 19142971, 23668869, 23913538, 34080803). This variant is absent from or present at an exceedingly low frequency in gnomAD, a large-scale control population database (ACMG/AMP: PM2). This variant has been shown to segregate with disease in multiple affected family members (ACMG/AMP: PP1_Strong; PMID:9475595).

Mayo Clinic Laboratories, Mayo Clinic
Classification: Pathogenic. Last evaluated: 2023-10-20. Review status: criteria provided, single submitter. Criteria: ACMG Guidelines, 2015. Collection method: clinical testing. Allele origin: germline. Observed: 13 variant alleles.
Comment: PP1_strong, PM2_moderate, PS2, PS4_moderate, PVS1